The following is an entry in ClinVar:

ClinVar aggregate classification (germline): Pathogenic (1 of 4 stars; one submission).

Conditions:
Mitochondrial complex II deficiency, nuclear type 1. Also called: SUCCINATE CoQ REDUCTASE DEFICIENCY. Identifiers: Orphanet 3208, MedGen C5700310, MONDO:0100294, OMIM 252011.
Pheochromocytoma/paraganglioma syndrome 5. Also called: Paragangliomas 5; SDHA-Related Hereditary Paraganglioma-Pheochromocytoma Syndrome. Identifiers: Orphanet 29072, MedGen C3279992, MONDO:0013602, OMIM 614165.

Submission:

Labcorp Genetics (formerly Invitae), Labcorp
Classification: Pathogenic for Pheochromocytoma/paraganglioma syndrome 5; Mitochondrial complex II deficiency, nuclear type 1. Last evaluated: 2020-03-26. Review status: criteria provided, single submitter. Criteria: Invitae Variant Classification Sherloc (09022015). Collection method: clinical testing. Allele origin: germline.
Comment: For these reasons, this variant has been classified as Pathogenic. Loss-of-function variants in SDHA are known to be pathogenic (PMID: 22974104, 24781757). This variant has not been reported in the literature in individuals with SDHA-related conditions. This variant is not present in population databases (ExAC no frequency). This sequence change creates a premature translational stop signal (p.Arg345Valfs*15) in the SDHA gene. It is expected to result in an absent or disrupted protein product.

Literature cited by the submitters: PubMed 22974104; PubMed 24781757.

NM_004168.4(SDHA):c.1032_1033del (p.Arg345fs)

Gene: SDHA (succinate dehydrogenase complex flavoprotein subunit A; plus strand). Cytogenetic location: 5p15.33.
Variant type: Microsatellite.
Coding change: c.1032_1033del on transcript NM_004168.4 (MANE Select); coding-DNA positions 1032 to 1033, 2 bases deleted (TC; older notation c.1032_1033delTC).
Protein change: p.Arg345fs; shifts the reading frame from arginine 345.
Molecular consequence: frameshift variant.
Genome position (GRCh38, 1-based): chr5:233,613-233,614, TC deleted; deleting any 2 consecutive bases within chr5:233,611-233,614 gives the same sequence; the c. name uses the placement nearest the transcript's 3' end. VCF-style (leftmost placement, unchanged base first): chr5-233610-GTC-G. GRCh37 (hg19) VCF-style: chr5-233725-GTC-G.
Other names: c.888_889del, p.Arg297fs (NM_001294332.2); c.1032_1033del, p.Arg345fs (NM_001330758.2); short protein forms R297fs, R345fs.
Identifiers: ClinVar variation 1069259 (VCV001069259.7), dbSNP rs2126578081, ClinGen allele CA2580613498.